The following is an entry in ClinVar:

NM_001170629.2(CHD8):c.4483C>T (p.Arg1495Cys)

Gene: CHD8 (chromodomain helicase DNA binding protein 8; minus strand). Cytogenetic location: 14q11.2.
Variant type: single nucleotide variant.
Coding change: c.4483C>T on transcript NM_001170629.2 (MANE Select); coding-DNA position 4483, C replaced by T.
Protein change: p.Arg1495Cys; replaces arginine 1495 with cysteine.
Molecular consequence: missense variant.
Genome position (GRCh38, 1-based): chr14:21,400,500, G>A on the plus strand (C>T on the coding strand, the complement: CHD8 is on the minus strand). VCF-style: chr14-21400500-G-A. GRCh37 (hg19) VCF-style: chr14-21868659-G-A.
Other names: c.3646C>T, p.Arg1216Cys (NM_020920.4); short protein forms R1216C, R1495C.
Identifiers: ClinVar variation 589470 (VCV000589470.48), dbSNP rs766456579, ClinGen allele CA7091212.

ClinVar aggregate classification (germline): Conflicting classifications of pathogenicity. Review status: criteria provided, conflicting classifications (1 of 4 stars). 2 submissions from 2 submitters: Uncertain significance (1); Likely benign (1). Last evaluated 2024-04-24.

Conditions:
Inborn genetic diseases. Identifiers: MedGen C0950123, MeSH D030342.

Allele frequency attached by ClinVar (database versions not stated): gnomAD 0.00002; TOPMed 0.00002; ExAC 0.00005; gnomAD exomes 0.00007.
gnomAD v4.1: 53 of 1,612,922 alleles (0.0033%); highest among the groups gnomAD compares: Admixed American, 0.028%; no homozygotes.

Submissions (2):

Labcorp Genetics (formerly Invitae), Labcorp
Classification: Uncertain significance. Last evaluated: 2024-04-24. Review status: criteria provided, single submitter. Criteria: Invitae Variant Classification Sherloc (09022015). Collection method: clinical testing. Allele origin: germline.
Comment: This sequence change replaces arginine, which is basic and polar, with cysteine, which is neutral and slightly polar, at codon 1495 of the CHD8 protein (p.Arg1495Cys). This variant is present in population databases (rs766456579, gnomAD 0.04%), and has an allele count higher than expected for a pathogenic variant. This variant has not been reported in the literature in individuals affected with CHD8-related conditions. ClinVar contains an entry for this variant (Variation ID: 589470). Advanced modeling of protein sequence and biophysical properties (such as structural, functional, and spatial information, amino acid conservation, physicochemical variation, residue mobility, and thermodynamic stability) performed at Invitae indicates that this missense variant is not expected to disrupt CHD8 protein function with a negative predictive value of 80%. In summary, the available evidence is currently insufficient to determine the role of this variant in disease. Therefore, it has been classified as a Variant of Uncertain Significance.

Ambry Genetics
Classification: Likely benign for Inborn genetic diseases. Last evaluated: 2023-05-18. Review status: criteria provided, single submitter. Criteria: Ambry Variant Classification Scheme 2023. Collection method: clinical testing. Allele origin: germline.